The following is an entry in ClinVar:

NC_012920.1(MT-TW):m.5542C>T

Gene: MT-TW (mitochondrially encoded tRNA tryptophan; plus strand).
Variant type: single nucleotide variant.
Genome position: chrM-5542-C-T.
Identifiers: ClinVar variation 689934 (VCV000689934.1), dbSNP rs1603220015, ClinGen allele CA913179807.

ClinVar aggregate classification (germline): Uncertain significance (1 of 4 stars; one submission).

Conditions:
MELAS syndrome (MELAS). Also called: Juvenile myopathy, encephalopathy, lactic acidosis, stroke. Identifiers: Orphanet 550, MedGen C0162671, MONDO:0010789, OMIM 540000.

Submission:

Wong Mito Lab, Molecular and Human Genetics, Baylor College of Medicine
Classification: Uncertain significance for MELAS syndrome. Last evaluated: 2019-07-12. Review status: criteria provided, single submitter. Criteria: Modified ACMG Guidelines (Unpublished). Collection method: clinical testing. Allele origin: germline.
Comment: The NC_012920.1:m.5542C>T variant in MT-TW gene is interpreted to be a Unknown Significance variant based on the modified ACMG guidelines (unpublished). This variant meets the following evidence codes reported in the guidelines: BS4, PP3

Literature cited by the submitters: PubMed 31965079.